The following is an entry in ClinVar:

NM_001718.6(BMP6):c.1014C>T (p.His338=)

Gene: BMP6 (bone morphogenetic protein 6; plus strand). Cytogenetic location: 6p24.3.
Variant type: single nucleotide variant.
Coding change: c.1014C>T on transcript NM_001718.6 (MANE Select); coding-DNA position 1014, C replaced by T.
Protein change: p.His338=; no amino-acid change (histidine 338 retained).
Molecular consequence: synonymous variant.
Genome position (GRCh38, 1-based): chr6:7,862,308, C>T. VCF-style: chr6-7862308-C-T. GRCh37 (hg19) VCF-style: chr6-7862541-C-T.
Identifiers: ClinVar variation 3049896 (VCV003049896.2), dbSNP rs61733612, ClinGen allele CA3628806.

ClinVar aggregate classification (germline): Benign (0 of 4 stars; one submission).

Conditions:
BMP6-related disorder. Also called: BMP6-related condition.

Allele frequency attached by ClinVar (database versions not stated): gnomAD exomes 0.00036; ExAC 0.00143; gnomAD 0.00415; TOPMed 0.00470; ESP Exome Variant Server 0.00507; 1000 Genomes Project 0.00719; 1000 Genomes Project 30x 0.00874.
gnomAD v4.1: 1,178 of 1,614,184 alleles (0.073%); highest among the groups gnomAD compares: African/African-American, 1.4%; 13 homozygotes.

Submission:

PreventionGenetics, part of Exact Sciences
Classification: Benign for BMP6-related condition. Last evaluated: 2019-02-20. Review status: no assertion criteria provided. Collection method: clinical testing. Allele origin: germline.
Comment: This variant is classified as benign based on ACMG/AMP sequence variant interpretation guidelines (Richards et al. 2015 PMID: 25741868, with internal and published modifications).